The following is an entry in ClinVar:

NM_021098.3(CACNA1H):c.108G>C (p.Pro36=)

Gene: CACNA1H (calcium voltage-gated channel subunit alpha1 H; plus strand). Cytogenetic location: 16p13.3.
Variant type: single nucleotide variant.
Coding change: c.108G>C on transcript NM_021098.3 (MANE Select); coding-DNA position 108, G replaced by C.
Protein change: p.Pro36=; no amino-acid change (proline 36 retained).
Molecular consequence: synonymous variant.
Genome position (GRCh38, 1-based): chr16:1,153,845, G>C. VCF-style: chr16-1153845-G-C. GRCh37 (hg19) VCF-style: chr16-1203845-G-C.
Other names: c.108G>C, p.Pro36= (NM_001005407.2).
Identifiers: ClinVar variation 460039 (VCV000460039.17), dbSNP rs28365126, ClinGen allele CA7799304.

ClinVar aggregate classification (germline): Likely benign. Review status: criteria provided, multiple submitters, no conflicts (2 of 4 stars). 5 submissions from 5 submitters: Likely benign (4). 1 of the submissions does not count toward it. Last evaluated 2026-02-01.

Conditions:
Hyperaldosteronism, familial, type IV (HALD4). Also called: FH IV; ALDOSTERONISM, PRIMARY, AND HYPERTENSION. Identifiers: Orphanet 642671, MedGen C4310756, MONDO:0014875, OMIM 617027.
Idiopathic generalized epilepsy. Also called: Generalised epilepsy; EIG. Identifiers: MedGen C0270850, MONDO:0005579, OMIM 600669.
CACNA1H-related disorder.

Allele frequency attached by ClinVar (database versions not stated): TOPMed 0.00241; ExAC below 0.00001; gnomAD exomes 0.00042; 1000 Genomes Project 30x 0.00172; gnomAD 0.00223 and 0.00241.
gnomAD v4.1: 596 of 1,322,040 alleles (0.045%); highest among the groups gnomAD compares: African/African-American, 0.86%; 3 homozygotes.

Submissions (5):

Labcorp Genetics (formerly Invitae), Labcorp
Classification: Likely benign for Idiopathic generalized epilepsy; Hyperaldosteronism, familial, type IV. Last evaluated: 2026-02-01. Review status: criteria provided, single submitter. Criteria: Invitae Variant Classification Sherloc (09022015). Collection method: clinical testing. Allele origin: germline.

Blueprint Genetics
Classification: Likely benign. Last evaluated: 2024-09-13. Review status: criteria provided, single submitter. Criteria: ACMG Guidelines, 2015. Collection method: clinical testing. Allele origin: germline.

GeneDx
Classification: Likely benign. Last evaluated: 2021-04-28. Review status: criteria provided, single submitter. Criteria: GeneDx Variant Classification Process June 2021. Collection method: clinical testing. Allele origin: germline. Affected: yes.

Breakthrough Genomics
Classification: Likely benign. Review status: criteria provided, single submitter. Criteria: ACMG Guidelines, 2015. Collection method: not provided. Allele origin: germline. Inheritance: Autosomal dominant inheritance. Affected: yes.

PreventionGenetics, part of Exact Sciences
Classification: Benign for CACNA1H-related condition. Last evaluated: 2019-09-20. Review status: no assertion criteria provided. Collection method: clinical testing. Allele origin: germline. Not counted in ClinVar's aggregate classification.
Comment: This variant is classified as benign based on ACMG/AMP sequence variant interpretation guidelines (Richards et al. 2015 PMID: 25741868, with internal and published modifications).